The following is an entry in ClinVar:

ClinVar aggregate classification (germline): Likely benign. Review status: criteria provided, single submitter (1 of 4 stars). 2 submissions from 2 submitters: Likely benign (1). 1 of the submissions does not count toward it. Last evaluated 2020-01-15.

Conditions:
MSH6-related disorder. Also called: MSH6-related condition; MSH6-Related disorders.
Hereditary cancer-predisposing syndrome. Also called: Neoplastic Syndromes, Hereditary; Tumor predisposition; Hereditary Cancer Syndrome; Hereditary neoplastic syndrome. Identifiers: Orphanet 140162, MedGen C0027672, MeSH D009386, MONDO:0015356.

Submissions (2):

Color Diagnostics, LLC DBA Color Health
Classification: Likely benign for Hereditary cancer-predisposing syndrome. Last evaluated: 2020-01-15. Review status: criteria provided, single submitter. Criteria: ACMG Guidelines, 2015. Collection method: clinical testing. Allele origin: germline.

PreventionGenetics, part of Exact Sciences
Classification: Likely benign for MSH6-related condition. Last evaluated: 2024-07-17. Review status: no assertion criteria provided. Collection method: clinical testing. Allele origin: germline. Not counted in ClinVar's aggregate classification.
Comment: This variant is classified as likely benign based on ACMG/AMP sequence variant interpretation guidelines (Richards et al. 2015 PMID: 25741868, with internal and published modifications).

NM_000179.3(MSH6):c.534T>G (p.Arg178=)

Gene: MSH6 (mutS homolog 6; plus strand). Cytogenetic location: 2p16.3.
Variant type: single nucleotide variant.
Coding change: c.534T>G on transcript NM_000179.3 (MANE Select); coding-DNA position 534, T replaced by G.
Protein change: p.Arg178=; no amino-acid change (arginine 178 retained).
Molecular consequence: synonymous variant. On other transcripts: 5 prime UTR variant (1), intron variant (2).
Genome position (GRCh38, 1-based): chr2:47,795,970, T>G. VCF-style: chr2-47795970-T-G. GRCh37 (hg19) VCF-style: chr2-48023109-T-G.
Other names: c.-369T>G (NM_001281494.2); c.-279-2641T>G (NM_001281493.2); c.238-2641T>G (NM_001281492.2).
Identifiers: ClinVar variation 923621 (VCV000923621.3), dbSNP rs1669060027, ClinGen allele CA425992907.